The following is an entry in ClinVar:

ClinVar aggregate classification (germline): Uncertain significance (1 of 4 stars; one submission).

Allele frequency attached by ClinVar (database versions not stated): gnomAD exomes below 0.00001.
gnomAD v4.1: 2 of 1,613,428 alleles (0.00012%); highest among the groups gnomAD compares: Non-Finnish European, 0.00017%; no homozygotes.

Submission:

Labcorp Genetics (formerly Invitae), Labcorp
Classification: Uncertain significance. Last evaluated: 2023-12-05. Review status: criteria provided, single submitter. Criteria: Invitae Variant Classification Sherloc (09022015). Collection method: clinical testing. Allele origin: germline.
Comment: This sequence change replaces glutamic acid, which is acidic and polar, with alanine, which is neutral and non-polar, at codon 734 of the FOCAD protein (p.Glu734Ala). This variant is not present in population databases (gnomAD no frequency). This variant has not been reported in the literature in individuals affected with FOCAD-related conditions. Experimental studies and prediction algorithms are not available or were not evaluated, and the functional significance of this variant is currently unknown. In summary, the available evidence is currently insufficient to determine the role of this variant in disease. Therefore, it has been classified as a Variant of Uncertain Significance.

NM_001375567.1(FOCAD):c.2201A>C (p.Glu734Ala)

Gene: FOCAD (focadhesin; plus strand). Cytogenetic location: 9p21.3.
Variant type: single nucleotide variant.
Coding change: c.2201A>C on transcript NM_001375567.1 (MANE Select); coding-DNA position 2201, A replaced by C.
Protein change: p.Glu734Ala; replaces glutamic acid 734 with alanine.
Molecular consequence: missense variant.
Genome position (GRCh38, 1-based): chr9:20,874,691, A>C. VCF-style: chr9-20874691-A-C. GRCh37 (hg19) VCF-style: chr9-20874690-A-C.
Other names: c.2096A>C, p.Glu699Ala (NM_001375568.1, NM_001375570.1); c.2201A>C, p.Glu734Ala (NM_017794.5); short protein forms E699A, E734A.
Identifiers: ClinVar variation 2896603 (VCV002896603.3), dbSNP rs2491427969, ClinGen allele CA373050643.
Genomic context (GRCh38, chr9:20,874,691, plus strand): 5'-ATAATGTTTTATTATTATCCTCTCTATGATCTTTTCGCTTATCATTTCAGATAAGACCAG[A>C]AATTCCCATTCCTGAAGAGTTAGATGACGATGAAGATGTTGAGGATGTGGATCTTTCAGT-3'
Protein context (NP_001362496.1, residues 724-744): ILHLPEKIRP[Glu734Ala]IPIPEELDDD